The following is an entry in ClinVar:

NM_001457.4(FLNB):c.3092C>T (p.Thr1031Ile)

Gene: FLNB (filamin B; plus strand). Cytogenetic location: 3p14.3.
Variant type: single nucleotide variant.
Coding change: c.3092C>T on transcript NM_001457.4 (MANE Select); coding-DNA position 3092, C replaced by T.
Protein change: p.Thr1031Ile; replaces threonine 1031 with isoleucine.
Molecular consequence: missense variant.
Genome position (GRCh38, 1-based): chr3:58,121,469, C>T. VCF-style: chr3-58121469-C-T. GRCh37 (hg19) VCF-style: chr3-58107196-C-T.
Other names: c.3092C>T, p.Thr1031Ile (NM_001164317.2, NM_001164318.2, NM_001164319.2); short protein forms T1031I.
Identifiers: ClinVar variation 4772302 (VCV004772302.1).

ClinVar aggregate classification (germline): Uncertain significance (1 of 4 stars; one submission).

gnomAD v4.1: 9 of 1,614,152 alleles (0.00056%); highest among the groups gnomAD compares: Non-Finnish European, 0.00076%; no homozygotes.

Submission:

Labcorp Genetics (formerly Invitae), Labcorp
Classification: Uncertain significance. Last evaluated: 2025-04-08. Review status: criteria provided, single submitter. Criteria: Invitae Variant Classification Sherloc (09022015). Collection method: clinical testing. Allele origin: germline.
Comment: This sequence change replaces threonine, which is neutral and polar, with isoleucine, which is neutral and non-polar, at codon 1031 of the FLNB protein (p.Thr1031Ile). This variant is present in population databases (rs765129281, gnomAD 0.003%). This variant has not been reported in the literature in individuals affected with FLNB-related conditions. Invitae Evidence Modeling of protein sequence and biophysical properties (such as structural, functional, and spatial information, amino acid conservation, physicochemical variation, residue mobility, and thermodynamic stability) indicates that this missense variant is not expected to disrupt FLNB protein function with a negative predictive value of 95%. In summary, the available evidence is currently insufficient to determine the role of this variant in disease. Therefore, it has been classified as a Variant of Uncertain Significance.